The following is an entry in ClinVar:

NM_000553.6(WRN):c.3902T>G (p.Leu1301Arg)

Gene: WRN (WRN RecQ like helicase; plus strand). Cytogenetic location: 8p12.
Variant type: single nucleotide variant.
Coding change: c.3902T>G on transcript NM_000553.6 (MANE Select); coding-DNA position 3902, T replaced by G.
Protein change: p.Leu1301Arg; replaces leucine 1301 with arginine.
Molecular consequence: missense variant.
Genome position (GRCh38, 1-based): chr8:31,157,450, T>G. VCF-style: chr8-31157450-T-G. GRCh37 (hg19) VCF-style: chr8-31014966-T-G.
Other names: short protein forms L1301R.
Identifiers: ClinVar variation 1467212 (VCV001467212.6), dbSNP rs2130480900, ClinGen allele CA370929449.

ClinVar aggregate classification (germline): Uncertain significance (1 of 4 stars; one submission).

Conditions:
Werner syndrome (WRN). Identifiers: Orphanet 902, MedGen C0043119, MONDO:0010196, OMIM 277700.

Allele frequency attached by ClinVar (database versions not stated): gnomAD exomes below 0.00001.
gnomAD v4.1: 1 of 1,614,108 alleles (0.000062%); highest among the groups gnomAD compares: Non-Finnish European, 0.000085%; no homozygotes.

Submission:

Labcorp Genetics (formerly Invitae), Labcorp
Classification: Uncertain significance for Werner syndrome. Last evaluated: 2021-10-12. Review status: criteria provided, single submitter. Criteria: Invitae Variant Classification Sherloc (09022015). Collection method: clinical testing. Allele origin: germline.
Comment: This variant has not been reported in the literature in individuals affected with WRN-related conditions. Algorithms developed to predict the effect of missense changes on protein structure and function are either unavailable or do not agree on the potential impact of this missense change (SIFT: "Not Available"; PolyPhen-2: "Possibly Damaging"; Align-GVGD: "Not Available"). In summary, the available evidence is currently insufficient to determine the role of this variant in disease. Therefore, it has been classified as a Variant of Uncertain Significance. This sequence change replaces leucine with arginine at codon 1301 of the WRN protein (p.Leu1301Arg). The leucine residue is moderately conserved and there is a moderate physicochemical difference between leucine and arginine. This variant is not present in population databases (ExAC no frequency).